The following is an entry in ClinVar:

ClinVar aggregate classification (germline): Uncertain significance (1 of 4 stars; one submission).

Conditions:
Neurofibromatosis, type 1 (NF1). Also called: Neurofibromatosis, type I; NEUROFIBROMATOSIS, TYPE I, SOMATIC; Peripheral type neurofibromatosis; VON RECKLINGHAUSEN DISEASE. Identifiers: Orphanet 636, MedGen C0027831, MONDO:0018975, OMIM 162200. Disease mechanism: loss of function.

Submission:

Labcorp Genetics (formerly Invitae), Labcorp
Classification: Uncertain significance for Neurofibromatosis, type 1. Last evaluated: 2016-05-28. Review status: criteria provided, single submitter. Criteria: Invitae Variant Classification Sherloc (09022015). Collection method: clinical testing. Allele origin: germline.
Comment: In summary, this variant is a novel missense change with uncertain impact on protein function. It has been classified as a Variant of Uncertain Significance. Algorithms developed to predict the effect of missense changes on protein structure and function do not agree on the potential impact of this missense change (SIFT: "Tolerated"; PolyPhen-2: "Probably Damaging"; Align-GVGD: "Class C0"). This variant is not present in population databases (ExAC no frequency) and has not been reported in the literature in individuals with a NF1-related disease. This sequence change replaces lysine with asparagine at codon 2643 of the NF1 protein (p.Lys2643Asn). The lysine residue is moderately conserved and there is a moderate physicochemical difference between lysine and asparagine.

NM_001042492.3(NF1):c.7992G>C (p.Lys2664Asn)

Gene: NF1 (neurofibromin 1; plus strand). Cytogenetic location: 17q11.2.
Variant type: single nucleotide variant.
Coding change: c.7992G>C on transcript NM_001042492.3 (MANE Select); coding-DNA position 7992, G replaced by C.
Protein change: p.Lys2664Asn; replaces lysine 2664 with asparagine.
Molecular consequence: missense variant.
Genome position (GRCh38, 1-based): chr17:31,358,501, G>C. VCF-style: chr17-31358501-G-C. GRCh37 (hg19) VCF-style: chr17-29685519-G-C.
Other names: c.7929G>C, p.Lys2643Asn (NM_000267.4); short protein forms K2643N, K2664N.
Identifiers: ClinVar variation 404600 (VCV000404600.5), dbSNP rs1060500377, ClinGen allele CA16615331.